The following is an entry in ClinVar:

ClinVar aggregate classification (germline): Likely benign (1 of 4 stars; one submission).

Submission:

CeGaT Center for Human Genetics Tuebingen
Classification: Likely benign. Last evaluated: 2026-09-01. Review status: criteria provided, single submitter. Criteria: CeGaT Center For Human Genetics Tuebingen Variant Classification Criteria Version 2. Collection method: clinical testing. Allele origin: germline. Affected: yes. Observed: 1 variant allele.
Comment: DNAH7: PM2:Supporting, BP4, BP7

NM_018897.3(DNAH7):c.1479C>T (p.Leu493=)

Gene: DNAH7 (dynein axonemal heavy chain 7; minus strand). Cytogenetic location: 2q32.3.
Variant type: single nucleotide variant.
Coding change: c.1479C>T on transcript NM_018897.3 (MANE Select); coding-DNA position 1479, C replaced by T.
Protein change: p.Leu493=; no amino-acid change (leucine 493 retained).
Molecular consequence: synonymous variant.
Genome position (GRCh38, 1-based): chr2:195,988,104, G>A on the plus strand (C>T on the coding strand, the complement: DNAH7 is on the minus strand). VCF-style: chr2-195988104-G-A. GRCh37 (hg19) VCF-style: chr2-196852828-G-A.
Identifiers: ClinVar variation 5041116 (VCV005041116.1).